The following is an entry in ClinVar:

NM_018263.6(ASXL2):c.1722A>G (p.Gln574=)

Gene: ASXL2 (ASXL transcriptional regulator 2; minus strand). Cytogenetic location: 2p23.3.
Variant type: single nucleotide variant.
Coding change: c.1722A>G on transcript NM_018263.6 (MANE Select); coding-DNA position 1722, A replaced by G.
Protein change: p.Gln574=; no amino-acid change (glutamine 574 retained).
Molecular consequence: synonymous variant.
Genome position (GRCh38, 1-based): chr2:25,749,834, T>C on the plus strand (A>G on the coding strand, the complement: ASXL2 is on the minus strand). VCF-style: chr2-25749834-T-C. GRCh37 (hg19) VCF-style: chr2-25972703-T-C.
Other names: c.1548A>G, p.Gln516= (NM_001369346.1); c.942A>G, p.Gln314= (NM_001369347.1).
Identifiers: ClinVar variation 5041767 (VCV005041767.1).

ClinVar aggregate classification (germline): Likely benign (1 of 4 stars; one submission).

gnomAD v4.1: 2 of 1,610,264 alleles (0.00012%); highest among the groups gnomAD compares: Admixed American, 0.0034%; no homozygotes.

Submission:

CeGaT Center for Human Genetics Tuebingen
Classification: Likely benign. Last evaluated: 2026-09-01. Review status: criteria provided, single submitter. Criteria: CeGaT Center For Human Genetics Tuebingen Variant Classification Criteria Version 2. Collection method: clinical testing. Allele origin: germline. Affected: yes. Observed: 1 variant allele.
Comment: ASXL2: BP4, BP7